The following is an entry in ClinVar:

NM_014712.3(SETD1A):c.1793C>T (p.Pro598Leu)

Gene: SETD1A (SET domain containing 1A, histone lysine methyltransferase; plus strand). Cytogenetic location: 16p11.2.
Variant type: single nucleotide variant.
Coding change: c.1793C>T on transcript NM_014712.3 (MANE Select); coding-DNA position 1793, C replaced by T.
Protein change: p.Pro598Leu; replaces proline 598 with leucine.
Molecular consequence: missense variant.
Genome position (GRCh38, 1-based): chr16:30,965,674, C>T. VCF-style: chr16-30965674-C-T. GRCh37 (hg19) VCF-style: chr16-30976995-C-T.
Other names: c.1793C>T (NM_014712.1); short protein forms P598L.
Identifiers: ClinVar variation 3057700 (VCV003057700.3), dbSNP rs141636623, ClinGen allele CA8016772.

ClinVar aggregate classification (germline): Likely benign. Review status: criteria provided, single submitter (1 of 4 stars). 2 submissions from 2 submitters: Likely benign (1). 1 of the submissions does not count toward it. Last evaluated 2025-01-19.

Conditions:
Inborn genetic diseases. Identifiers: MedGen C0950123, MeSH D030342.
SETD1A-related disorder. Also called: SETD1A-related condition.

Allele frequency attached by ClinVar (database versions not stated): ExAC 0.00013; gnomAD 0.00022; TOPMed 0.00025; 1000 Genomes Project 30x 0.00031; ESP Exome Variant Server 0.00031; 1000 Genomes Project 0.00040.
gnomAD v4.1: 71 of 1,609,562 alleles (0.0044%); highest among the groups gnomAD compares: African/African-American, 0.074%; no homozygotes.

Submissions (2):

Ambry Genetics
Classification: Likely benign for Inborn genetic diseases. Last evaluated: 2025-01-19. Review status: criteria provided, single submitter. Criteria: Ambry Variant Classification Scheme 2023. Collection method: clinical testing. Allele origin: germline.

PreventionGenetics, part of Exact Sciences
Classification: Likely benign for SETD1A-related condition. Last evaluated: 2019-04-05. Review status: no assertion criteria provided. Collection method: clinical testing. Allele origin: germline. Not counted in ClinVar's aggregate classification.
Comment: This variant is classified as likely benign based on ACMG/AMP sequence variant interpretation guidelines (Richards et al. 2015 PMID: 25741868, with internal and published modifications).